The following is an entry in ClinVar:

NM_005061.3(RPL3L):c.770G>A (p.Trp257Ter)

Gene: RPL3L (ribosomal protein L3 like; minus strand). Cytogenetic location: 16p13.3.
Variant type: single nucleotide variant.
Coding change: c.770G>A on transcript NM_005061.3 (MANE Select); coding-DNA position 770, G replaced by A.
Protein change: p.Trp257Ter; replaces tryptophan 257 with a stop codon.
Molecular consequence: nonsense.
Genome position (GRCh38, 1-based): chr16:1,947,017, C>T on the plus strand (G>A on the coding strand, the complement: RPL3L is on the minus strand). VCF-style: chr16-1947017-C-T. GRCh37 (hg19) VCF-style: chr16-1997018-C-T.
Other names: short protein forms W257*.
Identifiers: ClinVar variation 4528221 (VCV004528221.1).

ClinVar aggregate classification (germline): Uncertain significance (1 of 4 stars; one submission).

gnomAD v4.1: 35 of 1,612,432 alleles (0.0022%); highest among the groups gnomAD compares: South Asian, 0.038%; no homozygotes.

Submission:

GeneDx
Classification: Uncertain significance. Last evaluated: 2025-05-08. Review status: criteria provided, single submitter. Criteria: GeneDx Variant Classification Process June 2021. Collection method: clinical testing. Allele origin: germline. Affected: yes.
Comment: Nonsense variant predicted to result in protein truncation or nonsense mediated decay in a gene or region of a gene for which loss of function is not a well-established mechanism of disease; Has not been previously published as pathogenic or benign to our knowledge